The following is an entry in ClinVar:

ClinVar aggregate classification (germline): Uncertain significance (1 of 4 stars; one submission).

Conditions:
Inborn genetic diseases. Identifiers: MedGen C0950123, MeSH D030342.

gnomAD v4.1: 72 of 1,613,854 alleles (0.0045%); highest among the groups gnomAD compares: Non-Finnish European, 0.0017%; no homozygotes.

Submission:

Ambry Genetics
Classification: Uncertain significance for Inborn genetic diseases. Last evaluated: 2024-12-31. Review status: criteria provided, single submitter. Criteria: Ambry Variant Classification Scheme 2023. Collection method: clinical testing. Allele origin: germline.
Comment: The p.G75A variant (also known as c.224G>C), located in coding exon 2 of the BMPR2 gene, results from a G to C substitution at nucleotide position 224. The glycine at codon 75 is replaced by alanine, an amino acid with similar properties. This amino acid position is conserved. In addition, this alteration is predicted to be deleterious by in silico analysis. Based on the available evidence, the clinical significance of this variant remains unclear.

NM_001204.7(BMPR2):c.224G>C (p.Gly75Ala)

Gene: BMPR2 (bone morphogenetic protein receptor type 2; plus strand). Cytogenetic location: 2q33.1.
Variant type: single nucleotide variant.
Coding change: c.224G>C on transcript NM_001204.7 (MANE Select); coding-DNA position 224, G replaced by C.
Protein change: p.Gly75Ala; replaces glycine 75 with alanine.
Molecular consequence: missense variant.
Genome position (GRCh38, 1-based): chr2:202,464,956, G>C. VCF-style: chr2-202464956-G-C. GRCh37 (hg19) VCF-style: chr2-203329679-G-C.
Other names: short protein forms G75A.
Identifiers: ClinVar variation 3824796 (VCV003824796.1).